The following is an entry in ClinVar:

NM_004484.4(GPC3):c.801A>T (p.Gly267=)

Gene: GPC3 (glypican 3; minus strand). Cytogenetic location: Xq26.2.
Variant type: single nucleotide variant.
Coding change: c.801A>T on transcript NM_004484.4 (MANE Select); coding-DNA position 801, A replaced by T.
Protein change: p.Gly267=; no amino-acid change (glycine 267 retained).
Molecular consequence: synonymous variant.
Genome position (GRCh38, 1-based): chrX:133,753,713, T>A on the plus strand (A>T on the coding strand, the complement: GPC3 is on the minus strand). VCF-style: chrX-133753713-T-A. GRCh37 (hg19) VCF-style: chrX-132887740-T-A.
Other names: c.801A>T, p.Gly267= (NM_001164617.2); c.753A>T, p.Gly251= (NM_001164618.2); c.639A>T, p.Gly213= (NM_001164619.2).
Identifiers: ClinVar variation 2195578 (VCV002195578.5), dbSNP rs2521354784, ClinGen allele CA518852791.

ClinVar aggregate classification (germline): Likely benign. Review status: criteria provided, multiple submitters, no conflicts (2 of 4 stars). 2 submissions from 2 submitters: Likely benign (2). Last evaluated 2025-07-07.

Conditions:
GPC3-related disorder. Also called: GPC3-related condition.
Wilms tumor 1 (WT1). Also called: Wilms tumor, somatic. Identifiers: Orphanet 654, MedGen CN033288, MONDO:0008679, OMIM 194070.

gnomAD v4.1: 12 of 1,210,773 alleles (0.00099%); highest among the groups gnomAD compares: Non-Finnish European, 0.0013%; no homozygotes.

Submissions (2):

Labcorp Genetics (formerly Invitae), Labcorp
Classification: Likely benign for Wilms tumor 1. Last evaluated: 2025-07-07. Review status: criteria provided, single submitter. Criteria: Invitae Variant Classification Sherloc (09022015). Collection method: clinical testing. Allele origin: germline.

PreventionGenetics, part of Exact Sciences
Classification: Likely benign for GPC3-related condition. Last evaluated: 2024-11-26. Review status: criteria provided, single submitter. Criteria: ACMG Guidelines, 2015. Collection method: clinical testing. Allele origin: germline.
Comment: This variant is classified as likely benign based on ACMG/AMP sequence variant interpretation guidelines (Richards et al. 2015 PMID: 25741868, with internal and published modifications).